The following is an entry in ClinVar:

NM_004006.3(DMD):c.1528C>T (p.Leu510Phe)

Gene: DMD (dystrophin; minus strand). Cytogenetic location: Xp21.1.
Variant type: single nucleotide variant.
Coding change: c.1528C>T on transcript NM_004006.3 (MANE Select); coding-DNA position 1528, C replaced by T.
Protein change: p.Leu510Phe; replaces leucine 510 with phenylalanine.
Molecular consequence: missense variant.
Genome position (GRCh38, 1-based): chrX:32,595,831, G>A on the plus strand (C>T on the coding strand, the complement: DMD is on the minus strand). VCF-style: chrX-32595831-G-A. GRCh37 (hg19) VCF-style: chrX-32613948-G-A.
Other names: c.1504C>T, p.Leu502Phe (NM_000109.4); c.1516C>T, p.Leu506Phe (NM_004009.3); c.1159C>T, p.Leu387Phe (NM_004010.3); c.1528C>T (NM_004006.2); short protein forms L387F, L510F, L502F, L506F.
Identifiers: ClinVar variation 1395263 (VCV001395263.6), dbSNP rs2055457774, ClinGen allele CA412665559.

ClinVar aggregate classification (germline): Uncertain significance. Review status: criteria provided, multiple submitters, no conflicts (2 of 4 stars). 2 submissions from 2 submitters: Uncertain significance (2). Last evaluated 2026-08-16.

Conditions:
Cardiovascular phenotype. Identifiers: MedGen CN230736.
Duchenne muscular dystrophy (DMD). Also called: MUSCULAR DYSTROPHY, PSEUDOHYPERTROPHIC PROGRESSIVE, DUCHENNE TYPE; Duchenne Muscular Dystrophy (DMD). Identifiers: Orphanet 98896, MedGen C0013264, MONDO:0010679, OMIM 310200.

Allele frequency attached by ClinVar (database versions not stated): gnomAD exomes below 0.00001; TOPMed below 0.00001.
gnomAD v4.1: 1 of 1,201,870 alleles (0.000083%); highest among the groups gnomAD compares: Non-Finnish European, 0.00011%; no homozygotes.

Submissions (2):

Ambry Genetics
Classification: Uncertain significance for Cardiovascular phenotype. Last evaluated: 2026-08-16. Review status: criteria provided, single submitter. Criteria: Ambry Variant Classification Scheme 2023. Collection method: clinical testing. Allele origin: germline.
Comment: The p.L510F variant (also known as c.1528C>T), located in coding exon 13 of the DMD gene, results from a C to T substitution at nucleotide position 1528. The leucine at codon 510 is replaced by phenylalanine, an amino acid with highly similar properties. This amino acid position is conserved. In addition, the in silico prediction for this alteration is inconclusive. Based on the available evidence, the clinical significance of this variant remains unclear.

Labcorp Genetics (formerly Invitae), Labcorp
Classification: Uncertain significance for Duchenne muscular dystrophy. Last evaluated: 2021-09-24. Review status: criteria provided, single submitter. Criteria: Invitae Variant Classification Sherloc (09022015). Collection method: clinical testing. Allele origin: germline.
Comment: This sequence change replaces leucine with phenylalanine at codon 510 of the DMD protein (p.Leu510Phe). The leucine residue is highly conserved and there is a small physicochemical difference between leucine and phenylalanine. This variant is not present in population databases (ExAC no frequency). This variant has not been reported in the literature in individuals with DMD-related conditions. Algorithms developed to predict the effect of missense changes on protein structure and function are either unavailable or do not agree on the potential impact of this missense change (SIFT: "Deleterious"; PolyPhen-2: "Probably Damaging"; Align-GVGD: "Class C15"). In summary, the available evidence is currently insufficient to determine the role of this variant in disease. Therefore, it has been classified as a Variant of Uncertain Significance.